The following is an entry in ClinVar:

NM_002439.5(MSH3):c.410T>C (p.Leu137Ser)

Gene: MSH3 (mutS homolog 3; plus strand). Cytogenetic location: 5q14.1.
Variant type: single nucleotide variant.
Coding change: c.410T>C on transcript NM_002439.5 (MANE Select); coding-DNA position 410, T replaced by C.
Protein change: p.Leu137Ser; replaces leucine 137 with serine.
Molecular consequence: missense variant.
Genome position (GRCh38, 1-based): chr5:80,665,194, T>C. VCF-style: chr5-80665194-T-C. GRCh37 (hg19) VCF-style: chr5-79961013-T-C.
Other names: short protein forms L137S.
Identifiers: ClinVar variation 1737916 (VCV001737916.2), dbSNP rs2546717390, ClinGen allele CA360263210.
Genomic context (GRCh38, chr5:80,665,194, plus strand): 5'-CTGCCTAAGAGCCAAAGAAATGTCTGAGGACCAGGAATGTTTCAAAGTCTCTGGAAAAAT[T>C]GAAAGAATTCTGCTGCGATTCTGCCCTTCCTCAAAGTAGAGTCCAGACAGAATCTCTGCA-3'
Protein context (NP_002430.3, residues 127-147): TRNVSKSLEK[Leu137Ser]KEFCCDSALP

ClinVar aggregate classification (germline): Uncertain significance (1 of 4 stars; one submission).

Conditions:
Hereditary cancer-predisposing syndrome. Also called: Neoplastic Syndromes, Hereditary; Tumor predisposition; Hereditary Cancer Syndrome; Hereditary neoplastic syndrome. Identifiers: Orphanet 140162, MedGen C0027672, MeSH D009386, MONDO:0015356.

Submission:

Ambry Genetics
Classification: Uncertain significance for Hereditary cancer-predisposing syndrome. Last evaluated: 2021-03-22. Review status: criteria provided, single submitter. Criteria: Ambry Variant Classification Scheme 2023. Collection method: clinical testing. Allele origin: germline.
Comment: The p.L137S variant (also known as c.410T>C), located in coding exon 3 of the MSH3 gene, results from a T to C substitution at nucleotide position 410. The leucine at codon 137 is replaced by serine, an amino acid with dissimilar properties. This amino acid position is well conserved in available vertebrate species. In addition, the in silico prediction for this alteration is inconclusive. Since supporting evidence is limited at this time, the clinical significance of this alteration remains unclear.